The following is an entry in ClinVar:

NM_001083116.3(PRF1):c.254T>C (p.Leu85Pro)

Gene: PRF1 (perforin 1; minus strand). Cytogenetic location: 10q22.1.
Variant type: single nucleotide variant.
Coding change: c.254T>C on transcript NM_001083116.3 (MANE Select); coding-DNA position 254, T replaced by C.
Protein change: p.Leu85Pro; replaces leucine 85 with proline.
Molecular consequence: missense variant.
Genome position (GRCh38, 1-based): chr10:70,600,649, A>G on the plus strand (T>C on the coding strand, the complement: PRF1 is on the minus strand). VCF-style: chr10-70600649-A-G. GRCh37 (hg19) VCF-style: chr10-72360405-A-G.
Other names: c.254T>C, p.Leu85Pro (NM_005041.6); short protein forms L85P.
Identifiers: ClinVar variation 2742748 (VCV002742748.3), dbSNP rs1314115770, ClinGen allele CA376959780.

ClinVar aggregate classification (germline): Uncertain significance (1 of 4 stars; one submission).

Conditions:
Familial hemophagocytic lymphohistiocytosis 2 (FHL2). Also called: PRF1-Related Familial Hemophagocytic Lymphohistiocytosis (PRF1-fHLH). Identifiers: Orphanet 540, MedGen C1863727, MONDO:0011337, OMIM 603553.

Submission:

Labcorp Genetics (formerly Invitae), Labcorp
Classification: Uncertain significance for Familial hemophagocytic lymphohistiocytosis 2. Last evaluated: 2023-07-12. Review status: criteria provided, single submitter. Criteria: Invitae Variant Classification Sherloc (09022015). Collection method: clinical testing. Allele origin: germline.
Comment: In summary, the available evidence is currently insufficient to determine the role of this variant in disease. Therefore, it has been classified as a Variant of Uncertain Significance. Algorithms developed to predict the effect of missense changes on protein structure and function output the following: SIFT: "Not Available"; PolyPhen-2: "Benign"; Align-GVGD: "Not Available". The proline amino acid residue is found in multiple mammalian species, which suggests that this missense change does not adversely affect protein function. This variant has not been reported in the literature in individuals affected with PRF1-related conditions. This variant is not present in population databases (gnomAD no frequency). This sequence change replaces leucine, which is neutral and non-polar, with proline, which is neutral and non-polar, at codon 85 of the PRF1 protein (p.Leu85Pro).